The following is an entry in ClinVar:

NM_152564.5(VPS13B):c.4519C>A (p.Gln1507Lys)

Gene: VPS13B (vacuolar protein sorting 13 homolog B; plus strand). Cytogenetic location: 8q22.2.
Variant type: single nucleotide variant.
Coding change: c.4519C>A on transcript NM_152564.5 (MANE Select); coding-DNA position 4519, C replaced by A.
Protein change: p.Gln1507Lys; replaces glutamine 1507 with lysine.
Molecular consequence: missense variant.
Genome position (GRCh38, 1-based): chr8:99,511,398, C>A. VCF-style: chr8-99511398-C-A. GRCh37 (hg19) VCF-style: chr8-100523626-C-A.
Other names: c.4594C>A, p.Gln1532Lys (NM_017890.5); c.4594C>A (NM_017890.3); short protein forms Q1507K, Q1532K.
Identifiers: ClinVar variation 1020738 (VCV001020738.6), dbSNP rs1178400279, ClinGen allele CA371871810.

ClinVar aggregate classification (germline): Uncertain significance. Review status: criteria provided, multiple submitters, no conflicts (2 of 4 stars). 2 submissions from 2 submitters: Uncertain significance (2). Last evaluated 2023-12-21.

Conditions:
Cohen syndrome (COH1). Also called: Cutis verticis gyrata, retinitis pigmentosa, and sensorineural deafness; PEPPER SYNDROME. Identifiers: Orphanet 193, MedGen C0265223, MONDO:0008999, OMIM 216550.
Inborn genetic diseases. Identifiers: MedGen C0950123, MeSH D030342.

gnomAD v4.1: 14 of 1,613,876 alleles (0.00087%); highest among the groups gnomAD compares: Non-Finnish European, 0.001%; no homozygotes.

Submissions (2):

Ambry Genetics
Classification: Uncertain significance for Inborn genetic diseases. Last evaluated: 2023-12-21. Review status: criteria provided, single submitter. Criteria: Ambry Variant Classification Scheme 2023. Collection method: clinical testing. Allele origin: germline.

Labcorp Genetics (formerly Invitae), Labcorp
Classification: Uncertain significance for Cohen syndrome. Last evaluated: 2022-08-04. Review status: criteria provided, single submitter. Criteria: Invitae Variant Classification Sherloc (09022015). Collection method: clinical testing. Allele origin: germline.
Comment: This sequence change replaces glutamine, which is neutral and polar, with lysine, which is basic and polar, at codon 1532 of the VPS13B protein (p.Gln1532Lys). This variant is present in population databases (no rsID available, gnomAD 0.002%). This variant has not been reported in the literature in individuals affected with VPS13B-related conditions. ClinVar contains an entry for this variant (Variation ID: 1020738). Algorithms developed to predict the effect of missense changes on protein structure and function are either unavailable or do not agree on the potential impact of this missense change (SIFT: "Not Available"; PolyPhen-2: "Possibly Damaging"; Align-GVGD: "Not Available"). In summary, the available evidence is currently insufficient to determine the role of this variant in disease. Therefore, it has been classified as a Variant of Uncertain Significance.